The following is an entry in ClinVar:

NM_001999.4(FBN2):c.5462delinsTC (p.Asn1821fs)

Gene: FBN2 (fibrillin 2; minus strand). Cytogenetic location: 5q23.3.
Variant type: Indel.
Coding change: c.5462delinsTC on transcript NM_001999.4 (MANE Select); coding-DNA position 5462, A replaced by TC.
Protein change: p.Asn1821fs; shifts the reading frame from asparagine 1821.
Molecular consequence: frameshift variant.
Genome position (GRCh38, 1-based): chr5:128,305,909, T replaced by GA on the plus strand (A replaced by TC on the coding strand, the reverse complement: FBN2 is on the minus strand). VCF-style: chr5-128305909-T-GA. GRCh37 (hg19) VCF-style: chr5-127641601-T-GA.
Other names: short protein forms N1821fs.
Identifiers: ClinVar variation 4076716 (VCV004076716.1).

ClinVar aggregate classification (germline): Uncertain significance (1 of 4 stars; one submission).

Submission:

GeneDx
Classification: Uncertain significance. Last evaluated: 2025-02-20. Review status: criteria provided, single submitter. Criteria: GeneDx Variant Classification Process June 2021. Collection method: clinical testing. Allele origin: germline. Affected: yes.
Comment: Not observed at significant frequency in large population cohorts (gnomAD); Frameshift variant predicted to result in protein truncation or nonsense mediated decay in a gene or region of a gene for which loss of function is not a well-established mechanism of disease; Has not been previously published as pathogenic or benign to our knowledge